The following is an entry in ClinVar:

ClinVar aggregate classification (germline): Uncertain significance (1 of 4 stars; one submission).

Submission:

Ambry Genetics
Classification: Uncertain significance. Last evaluated: 2026-06-17. Review status: criteria provided, single submitter. Criteria: Ambry Variant Classification Scheme 2023. Collection method: clinical testing. Allele origin: germline.
Comment: The p.D106G variant (also known as c.317A>G), located in coding exon 1 of the PALLD gene, results from an A to G substitution at nucleotide position 317. The aspartic acid at codon 106 is replaced by glycine, an amino acid with similar properties. This amino acid position is conserved. In addition, this alteration is predicted to be tolerated by in silico analysis. Based on the available evidence, the clinical significance of this variant remains unclear.

NM_001166108.2(PALLD):c.1965-12714A>G

Gene: PALLD (palladin, cytoskeletal associated protein; plus strand). Cytogenetic location: 4q32.3.
Variant type: single nucleotide variant.
Coding change: c.1965-12714A>G on transcript NM_001166108.2 (MANE Select); 12714 bases into the intron before coding-DNA position 1965, A replaced by G.
Molecular consequence: intron variant. On other transcripts: missense variant (1).
Genome position (GRCh38, 1-based): chr4:168,878,208, A>G. VCF-style: chr4-168878208-A-G. GRCh37 (hg19) VCF-style: chr4-169799359-A-G.
Other names: c.317A>G, p.Asp106Gly (NM_001166110.2); c.1965-12714A>G (NM_016081.4); c.819-12714A>G (NM_001166109.2); c.-157-12714A>G (NM_001367570.1, NM_001367568.1, NM_001367567.1 and 1 more transcripts); short protein forms D106G.
Identifiers: ClinVar variation 5026213 (VCV005026213.1).